The following is an entry in ClinVar:

NM_022841.7(RFX7):c.430C>G (p.Pro144Ala)

Gene: RFX7 (regulatory factor X7; minus strand). Cytogenetic location: 15q21.3.
Variant type: single nucleotide variant.
Coding change: c.430C>G on transcript NM_022841.7 (MANE Select); coding-DNA position 430, C replaced by G.
Protein change: p.Pro144Ala; replaces proline 144 with alanine.
Molecular consequence: missense variant.
Genome position (GRCh38, 1-based): chr15:56,103,642, G>C on the plus strand (C>G on the coding strand, the complement: RFX7 is on the minus strand). VCF-style: chr15-56103642-G-C. GRCh37 (hg19) VCF-style: chr15-56395840-G-C.
Other names: c.139C>G, p.Pro47Ala (NM_001368073.2, NM_001368074.1, NM_001370554.1); c.430C>G, p.Pro144Ala (NM_001370561.1); short protein forms P144A, P47A.
Identifiers: ClinVar variation 4883136 (VCV004883136.2).

ClinVar aggregate classification (germline): Uncertain significance (1 of 4 stars; one submission).

gnomAD v4.1: 5 of 1,598,954 alleles (0.00031%); highest among the groups gnomAD compares: Admixed American, 0.0052%; no homozygotes.

Submission:

Dasa
Classification: Uncertain significance. Last evaluated: 2026-03-13. Review status: criteria provided, single submitter. Criteria: DASA Assertion Criteria. Collection method: clinical testing. Allele origin: germline.
Comment: NM_022841.7(RFX7):c.430C>G (p.Pro144Ala) is a missense variant that results in the substitution of proline with alanine. This variant is rare in population databases. Computational prediction algorithms are consistent with a deleterious effect. The currently available literature and clinical evidence are not sufficient to establish a definitive association between this variant and the reported condition. Therefore, this variant is classified as a variant of uncertain significance.